The following is an entry in ClinVar:

NM_020719.3(PRR12):c.4505C>T (p.Pro1502Leu)

Gene: PRR12 (proline rich 12; plus strand). Cytogenetic location: 19q13.33.
Variant type: single nucleotide variant.
Coding change: c.4505C>T on transcript NM_020719.3 (MANE Select); coding-DNA position 4505, C replaced by T.
Protein change: p.Pro1502Leu; replaces proline 1502 with leucine.
Molecular consequence: missense variant.
Genome position (GRCh38, 1-based): chr19:49,601,650, C>T. VCF-style: chr19-49601650-C-T. GRCh37 (hg19) VCF-style: chr19-50104907-C-T.
Other names: short protein forms P1502L.
Identifiers: ClinVar variation 2570100 (VCV002570100.26), dbSNP rs777596820, ClinGen allele CA9578506.

ClinVar aggregate classification (germline): Likely benign. Review status: criteria provided, multiple submitters, no conflicts (2 of 4 stars). 2 submissions from 2 submitters: Likely benign (2). Last evaluated 2023-03-24.

Conditions:
Inborn genetic diseases. Identifiers: MedGen C0950123, MeSH D030342.

Allele frequency attached by ClinVar (database versions not stated): TOPMed 0.00001; gnomAD 0.00003; gnomAD exomes 0.00004; 1000 Genomes Project 30x 0.00016; ExAC 0.00034.
gnomAD v4.1: 59 of 1,538,070 alleles (0.0038%); highest among the groups gnomAD compares: South Asian, 0.05%; no homozygotes.

Submissions (2):

Ambry Genetics
Classification: Likely benign for Inborn genetic diseases. Last evaluated: 2023-03-24. Review status: criteria provided, single submitter. Criteria: Ambry Variant Classification Scheme 2023. Collection method: clinical testing. Allele origin: germline.

CeGaT Center for Human Genetics Tuebingen
Classification: Likely benign. Last evaluated: 2023-03-01. Review status: criteria provided, single submitter. Criteria: CeGaT Center For Human Genetics Tuebingen Variant Classification Criteria Version 2. Collection method: clinical testing. Allele origin: germline. Affected: yes. Observed: 1 variant allele.
Comment: PRR12: BS1